The following is an entry in ClinVar:

NM_000392.5(ABCC2):c.351_355dup (p.Tyr119fs)

Gene: ABCC2 (ATP binding cassette subfamily C member 2; plus strand). Cytogenetic location: 10q24.2.
Variant type: Duplication.
Coding change: c.351_355dup on transcript NM_000392.5 (MANE Select); coding-DNA positions 351 to 355, 5 bases duplicated (CCAAT; older notation c.351_355dupCCAAT).
Protein change: p.Tyr119fs; shifts the reading frame from tyrosine 119.
Molecular consequence: frameshift variant.
Genome position (GRCh38, 1-based): chr10:99,793,568-99,793,572, CCAAT duplicated; duplicating any 5 consecutive bases within chr10:99,793,566-99,793,572 gives the same sequence; the c. name uses the placement nearest the transcript's 3' end. VCF-style (leftmost placement, unchanged base first): chr10-99793565-G-GATCCA. GRCh37 (hg19) VCF-style: chr10-101553322-G-GATCCA.
Other names: short protein forms Y119fs.
Identifiers: ClinVar variation 1333210 (VCV001333210.3), dbSNP rs1351419381, ClinGen allele CA595447552.

ClinVar aggregate classification (germline): Pathogenic (1 of 4 stars; one submission).

Conditions:
Dubin-Johnson syndrome (DJS). Also called: Hyperbilirubinemia type 2; Jaundice, Chronic Idiopathic; HYPERBILIRUBINEMIA, DUBIN-JOHNSON TYPE. Identifiers: Orphanet 234, MedGen C0022350, MONDO:0009380, OMIM 237500.

Submission:

3billion
Classification: Pathogenic for Dubin-Johnson syndrome. Last evaluated: 2025-04-25. Review status: criteria provided, single submitter. Criteria: ACMG Guidelines, 2015. Collection method: clinical testing. Allele origin: germline. Affected: yes.
Comment: The variant is observed at an extremely low frequency in the gnomAD v4.1.0 dataset (total allele frequency: <0.001%). Predicted Consequence/Location: Frameshift: predicted to result in a loss or disruption of normal protein function through nonsense-mediated decay (NMD) or protein truncation. Multiple pathogenic variants are reported downstream of the variant. In silico tools predict the variant to alter splicing and produce an abnormal transcript [SpliceAI: 0.21 (spliceogenicity >=0.2, non-spliceogenicity <0.1)]. The variant has been reported to be associated with ABCC2-related disorder (ClinVar ID: VCV001333210 / PMID: 29499989 / 3billion dataset). Therefore, this variant is classified as Pathogenic according to the recommendation of ACMG/AMP guideline.

Literature cited by the submitters: PubMed 29499989.